The following is an entry in ClinVar:

NM_005263.5(GFI1):c.155G>A (p.Arg52Gln)

Gene: GFI1 (growth factor independent 1 transcriptional repressor; minus strand). Cytogenetic location: 1p22.1.
Variant type: single nucleotide variant.
Coding change: c.155G>A on transcript NM_005263.5 (MANE Select); coding-DNA position 155, G replaced by A.
Protein change: p.Arg52Gln; replaces arginine 52 with glutamine.
Molecular consequence: missense variant.
Genome position (GRCh38, 1-based): chr1:92,483,007, C>T on the plus strand (G>A on the coding strand, the complement: GFI1 is on the minus strand). VCF-style: chr1-92483007-C-T. GRCh37 (hg19) VCF-style: chr1-92948564-C-T.
Other names: c.155G>A, p.Arg52Gln (NM_001127215.3, NM_001127216.3); short protein forms R52Q.
Identifiers: ClinVar variation 1998293 (VCV001998293.4), dbSNP rs1200791616, ClinGen allele CA341150575.
Genomic context (GRCh38, chr1:92,483,007, plus strand): 5'-GGGGATGCGGAGGCTCTGTCTGGGGCTTCGGTCAGCTGCGATTCGGGGGACAAACGGTCC[C>T]GGGGCTCCGCCTTCGCCCCGCCTGCATTTGAAGTGCTGTCTGCAAAGAGGAGGCAGGTGA-3'
Protein context (NP_005254.2, residues 42-62): SNAGGAKAEP[Arg52Gln]DRLSPESQLT

ClinVar aggregate classification (germline): Uncertain significance (1 of 4 stars; one submission).

Conditions:
Neutropenia, severe congenital, 2, autosomal dominant. Identifiers: Orphanet 486, MedGen C2751288, MONDO:0013139, OMIM 613107.

Allele frequency attached by ClinVar (database versions not stated): gnomAD exomes below 0.00001; TOPMed below 0.00001.
gnomAD v4.1: 1 of 1,606,566 alleles (0.000062%); highest among the groups gnomAD compares: Non-Finnish European, 0.000085%; no homozygotes.

Submission:

Labcorp Genetics (formerly Invitae), Labcorp
Classification: Uncertain significance for Neutropenia, severe congenital, 2, autosomal dominant. Last evaluated: 2022-05-24. Review status: criteria provided, single submitter. Criteria: Invitae Variant Classification Sherloc (09022015). Collection method: clinical testing. Allele origin: germline.
Comment: This variant has not been reported in the literature in individuals affected with GFI1-related conditions. This variant is not present in population databases (gnomAD no frequency). This sequence change replaces arginine, which is basic and polar, with glutamine, which is neutral and polar, at codon 52 of the GFI1 protein (p.Arg52Gln). In summary, the available evidence is currently insufficient to determine the role of this variant in disease. Therefore, it has been classified as a Variant of Uncertain Significance. Algorithms developed to predict the effect of missense changes on protein structure and function output the following: SIFT: "Tolerated"; PolyPhen-2: "Benign"; Align-GVGD: "Class C0". The glutamine amino acid residue is found in multiple mammalian species, which suggests that this missense change does not adversely affect protein function.